The following is an entry in ClinVar:

NM_013275.6(ANKRD11):c.3717C>T (p.Pro1239=)

Gene: ANKRD11 (ankyrin repeat domain 11; minus strand). Cytogenetic location: 16q24.3.
Variant type: single nucleotide variant.
Coding change: c.3717C>T on transcript NM_013275.6 (MANE Select); coding-DNA position 3717, C replaced by T.
Protein change: p.Pro1239=; no amino-acid change (proline 1239 retained).
Molecular consequence: synonymous variant.
Genome position (GRCh38, 1-based): chr16:89,282,825, G>A on the plus strand (C>T on the coding strand, the complement: ANKRD11 is on the minus strand). VCF-style: chr16-89282825-G-A. GRCh37 (hg19) VCF-style: chr16-89349233-G-A.
Other names: c.3717C>T, p.Pro1239= (NM_001256182.2, NM_001256183.2).
Identifiers: ClinVar variation 1203635 (VCV001203635.27), dbSNP rs770592482, ClinGen allele CA8242302.
Genomic context (GRCh38, chr16:89,282,825, plus strand): 5'-CTTCTCTTTGTGTTTGCTTTTAGCCTTGTCTTCGGCAGCGTGCTTCTTTTCAGCCTTCTC[G>A]GGGAGCTTCTGTTTATTTTTCTTATCTTGCGTGGAGTCCACTGAGGCTCTGTCCTTCCTG-3'
Protein context (NP_037407.4, residues 1229-1249): TQDKKNKQKL[Pro1239=]EKAEKKHAAE

ClinVar aggregate classification (germline): Likely benign. Review status: criteria provided, multiple submitters, no conflicts (2 of 4 stars). 5 submissions from 5 submitters: Likely benign (5). Last evaluated 2026-05-14.

Conditions:
ANKRD11-related disorder. Also called: ANKRD11-related condition.
KBG syndrome (KBGS). Also called: ANKRD11-Related KBG Syndrome. Identifiers: Orphanet 2332, MedGen C0220687, MONDO:0007846, OMIM 148050.

Allele frequency attached by ClinVar (database versions not stated): gnomAD 0.00003; TOPMed 0.00003; gnomAD exomes 0.00004.
gnomAD v4.1: 73 of 1,611,066 alleles (0.0045%); highest among the groups gnomAD compares: Middle Eastern, 0.18%; no homozygotes.

Submissions (5):

PreventionGenetics, part of Exact Sciences
Classification: Likely benign for ANKRD11-related condition. Last evaluated: 2026-05-14. Review status: criteria provided, single submitter. Criteria: ACMG Guidelines, 2015. Collection method: clinical testing. Allele origin: germline.
Comment: This variant is classified as likely benign based on ACMG/AMP sequence variant interpretation guidelines (Richards et al. 2015 PMID: 25741868, with internal and published modifications).

Labcorp Genetics (formerly Invitae), Labcorp
Classification: Likely benign for KBG syndrome. Last evaluated: 2025-11-24. Review status: criteria provided, single submitter. Criteria: Invitae Variant Classification Sherloc (09022015). Collection method: clinical testing. Allele origin: germline.

Blueprint Genetics
Classification: Likely benign. Last evaluated: 2024-07-16. Review status: criteria provided, single submitter. Criteria: ACMG Guidelines, 2015. Collection method: clinical testing. Allele origin: germline.

CeGaT Center for Human Genetics Tuebingen
Classification: Likely benign. Last evaluated: 2024-07-01. Review status: criteria provided, single submitter. Criteria: CeGaT Center For Human Genetics Tuebingen Variant Classification Criteria Version 2. Collection method: clinical testing. Allele origin: germline. Affected: yes. Observed: 1 variant allele.
Comment: ANKRD11: BP4, BP7

GeneDx
Classification: Likely benign. Last evaluated: 2021-10-25. Review status: criteria provided, single submitter. Criteria: GeneDx Variant Classification Process June 2021. Collection method: clinical testing. Allele origin: germline. Affected: yes.